The following is an entry in ClinVar:

NM_182746.3(MCM4):c.172G>C (p.Asp58His)

Gene: MCM4 (minichromosome maintenance complex component 4; plus strand). Cytogenetic location: 8q11.21.
Variant type: single nucleotide variant.
Coding change: c.172G>C on transcript NM_182746.3 (MANE Select); coding-DNA position 172, G replaced by C.
Protein change: p.Asp58His; replaces aspartic acid 58 with histidine.
Molecular consequence: missense variant.
Genome position (GRCh38, 1-based): chr8:47,961,617, G>C. VCF-style: chr8-47961617-G-C. GRCh37 (hg19) VCF-style: chr8-48874177-G-C.
Other names: c.172G>C, p.Asp58His (NM_005914.4); c.172G>C (NM_005914.3); short protein forms D58H.
Identifiers: ClinVar variation 1433638 (VCV001433638.8), dbSNP rs1258650632, ClinGen allele CA371144968.

ClinVar aggregate classification (germline): Uncertain significance. Review status: criteria provided, multiple submitters, no conflicts (2 of 4 stars). 2 submissions from 2 submitters: Uncertain significance (2). Last evaluated 2025-11-03.

Allele frequency attached by ClinVar (database versions not stated): gnomAD 0.00001; gnomAD exomes 0.00001 and 0.00002; TOPMed 0.00001.
gnomAD v4.1: 33 of 1,614,038 alleles (0.002%); highest among the groups gnomAD compares: Non-Finnish European, 0.0026%; no homozygotes.

Submissions (2):

Ambry Genetics
Classification: Uncertain significance. Last evaluated: 2025-11-03. Review status: criteria provided, single submitter. Criteria: Ambry Variant Classification Scheme 2023. Collection method: clinical testing. Allele origin: germline.

Labcorp Genetics (formerly Invitae), Labcorp
Classification: Uncertain significance. Last evaluated: 2023-09-14. Review status: criteria provided, single submitter. Criteria: Invitae Variant Classification Sherloc (09022015). Collection method: clinical testing. Allele origin: germline.
Comment: In summary, the available evidence is currently insufficient to determine the role of this variant in disease. Therefore, it has been classified as a Variant of Uncertain Significance. An algorithm developed to predict the effect of missense changes on protein structure and function (PolyPhen-2) suggests that this variant¬†is likely to be tolerated. ClinVar contains an entry for this variant (Variation ID: 1433638). This variant has not been reported in the literature in individuals affected with MCM4-related conditions. This variant is present in population databases (no rsID available, gnomAD 0.002%). This sequence change replaces aspartic acid, which is acidic and polar, with histidine, which is basic and polar, at codon 58 of the MCM4 protein (p.Asp58His).